The following is an entry in ClinVar:

NM_005236.3(ERCC4):c.1787C>T (p.Ala596Val)

Gene: ERCC4 (ERCC excision repair 4, endonuclease catalytic subunit; plus strand). Cytogenetic location: 16p13.12.
Variant type: single nucleotide variant.
Coding change: c.1787C>T on transcript NM_005236.3 (MANE Select); coding-DNA position 1787, C replaced by T.
Protein change: p.Ala596Val; replaces alanine 596 with valine.
Molecular consequence: missense variant.
Genome position (GRCh38, 1-based): chr16:13,935,719, C>T. VCF-style: chr16-13935719-C-T. GRCh37 (hg19) VCF-style: chr16-14029576-C-T.
Other names: short protein forms A596V.
Identifiers: ClinVar variation 2165332 (VCV002165332.4), dbSNP rs751782722, ClinGen allele CA7910536.

ClinVar aggregate classification (germline): Uncertain significance (1 of 4 stars; one submission).

Conditions:
Cockayne syndrome. Identifiers: Orphanet 191, MedGen C0009207, MONDO:0016006.
Xeroderma pigmentosum, group F (XPF). Also called: ERCC4-Related Xeroderma Pigmentosum; XERODERMA PIGMENTOSUM, COMPLEMENTATION GROUP F; XERODERMA PIGMENTOSUM VI; XP, GROUP F; XERODERMA PIGMENTOSUM, TYPE F; Xeroderma pigmentosum, type 6. Identifiers: MedGen C0268140, MONDO:0010215, OMIM 278760.
Fanconi anemia complementation group Q. Identifiers: Orphanet 84, MedGen C3808988, MONDO:0014108, OMIM 615272.

gnomAD v4.1: 1 of 1,613,744 alleles (0.000062%); highest among the groups gnomAD compares: South Asian, 0.0011%; no homozygotes.

Submission:

Labcorp Genetics (formerly Invitae), Labcorp
Classification: Uncertain significance for Fanconi anemia complementation group Q; Xeroderma pigmentosum, group F; Cockayne syndrome. Last evaluated: 2022-08-10. Review status: criteria provided, single submitter. Criteria: Invitae Variant Classification Sherloc (09022015). Collection method: clinical testing. Allele origin: germline.
Comment: In summary, the available evidence is currently insufficient to determine the role of this variant in disease. Therefore, it has been classified as a Variant of Uncertain Significance. Algorithms developed to predict the effect of sequence changes on RNA splicing suggest that this variant may disrupt the consensus splice site. Algorithms developed to predict the effect of missense changes on protein structure and function are either unavailable or do not agree on the potential impact of this missense change (SIFT: "Deleterious"; PolyPhen-2: "Probably Damaging"; Align-GVGD: "Class C0"). This variant has not been reported in the literature in individuals affected with ERCC4-related conditions. This variant is present in population databases (rs751782722, gnomAD 0.003%). This sequence change replaces alanine, which is neutral and non-polar, with valine, which is neutral and non-polar, at codon 596 of the ERCC4 protein (p.Ala596Val).